The following is an entry in ClinVar:

NM_000718.4(CACNA1B):c.3520C>T (p.Arg1174Cys)

Gene: CACNA1B (calcium voltage-gated channel subunit alpha1 B; plus strand). Cytogenetic location: 9q34.3.
Variant type: single nucleotide variant.
Coding change: c.3520C>T on transcript NM_000718.4 (MANE Select); coding-DNA position 3520, C replaced by T.
Protein change: p.Arg1174Cys; replaces arginine 1174 with cysteine.
Molecular consequence: missense variant.
Genome position (GRCh38, 1-based): chr9:138,047,010, C>T. VCF-style: chr9-138047010-C-T. GRCh37 (hg19) VCF-style: chr9-140941462-C-T.
Other names: c.3520C>T, p.Arg1174Cys (NM_001243812.2); c.3520C>T (NM_000718.3); short protein forms R1174C.
Identifiers: ClinVar variation 2171197 (VCV002171197.7), dbSNP rs201771536, ClinGen allele CA5376703.
Genomic context (GRCh38, chr9:138,047,010, plus strand): 5'-GTGGTCATTCTCGTGGTCATCGCCTTGAGCAGCATCGCCCTGGCTGCTGAGGACCCAGTG[C>T]GCACAGACTCGCCCAGGAACAACGTGAGTGGCCCGGATGGCCGGGTCCCCGCCAGGCTGT-3'
Protein context (NP_000709.1, residues 1164-1184): SIALAAEDPV[Arg1174Cys]TDSPRNNALK

ClinVar aggregate classification (germline): Uncertain significance. Review status: criteria provided, multiple submitters, no conflicts (2 of 4 stars). 3 submissions from 3 submitters: Uncertain significance (3). Last evaluated 2025-05-11.

Conditions:
Neurodevelopmental disorder with seizures and nonepileptic hyperkinetic movements. Identifiers: MedGen C5193128, MONDO:0032784, OMIM 618497.

Allele frequency attached by ClinVar (database versions not stated): ExAC 0.00002; gnomAD exomes 0.00004; TOPMed 0.00006; gnomAD 0.00008.
gnomAD v4.1: 63 of 1,612,344 alleles (0.0039%); highest among the groups gnomAD compares: African/African-American, 0.024%; no homozygotes.

Submissions (3):

Ambry Genetics
Classification: Uncertain significance. Last evaluated: 2025-05-11. Review status: criteria provided, single submitter. Criteria: Ambry Variant Classification Scheme 2023. Collection method: clinical testing. Allele origin: germline.

Labcorp Genetics (formerly Invitae), Labcorp
Classification: Uncertain significance. Last evaluated: 2025-04-29. Review status: criteria provided, single submitter. Criteria: Invitae Variant Classification Sherloc (09022015). Collection method: clinical testing. Allele origin: germline.
Comment: This sequence change replaces arginine, which is basic and polar, with cysteine, which is neutral and slightly polar, at codon 1174 of the CACNA1B protein (p.Arg1174Cys). This variant is present in population databases (rs201771536, gnomAD 0.03%). This variant has not been reported in the literature in individuals affected with CACNA1B-related conditions. ClinVar contains an entry for this variant (Variation ID: 2171197). Invitae Evidence Modeling of protein sequence and biophysical properties (such as structural, functional, and spatial information, amino acid conservation, physicochemical variation, residue mobility, and thermodynamic stability) indicates that this missense variant is not expected to disrupt CACNA1B protein function with a negative predictive value of 80%. In summary, the available evidence is currently insufficient to determine the role of this variant in disease. Therefore, it has been classified as a Variant of Uncertain Significance.

Revvity Omics, Revvity
Classification: Uncertain significance for Neurodevelopmental disorder with seizures and nonepileptic hyperkinetic movements. Last evaluated: 2021-01-06. Review status: criteria provided, single submitter. Criteria: ACMG Guidelines, 2015. Collection method: clinical testing. Allele origin: germline.